The following is an entry in ClinVar:

NM_001377299.1(NDUFS2):c.540G>A (p.Leu180=)

Gene: NDUFS2 (NADH:ubiquinone oxidoreductase core subunit S2; plus strand). Cytogenetic location: 1q23.3.
Variant type: single nucleotide variant.
Coding change: c.540G>A on transcript NM_001377299.1 (MANE Select); coding-DNA position 540, G replaced by A.
Protein change: p.Leu180=; no amino-acid change (leucine 180 retained).
Molecular consequence: synonymous variant. On other transcripts: non-coding transcript variant (1).
Genome position (GRCh38, 1-based): chr1:161,209,508, G>A. VCF-style: chr1-161209508-G-A. GRCh37 (hg19) VCF-style: chr1-161179298-G-A.
Other names: p.L180L:TTG>TTA; c.540G>A, p.Leu180= (NM_001166159.2, NM_001377298.1, NM_001377300.1 and 3 more transcripts).
Identifiers: ClinVar variation 214786 (VCV000214786.16), dbSNP rs41428447, ClinGen allele CA321095.

ClinVar aggregate classification (germline): Conflicting classifications of pathogenicity. Review status: criteria provided, conflicting classifications (1 of 4 stars). 4 submissions from 4 submitters: Uncertain significance (1); Benign (2). 1 of the submissions does not count toward it. Last evaluated 2025-06-14.

Conditions:
Mitochondrial complex I deficiency, nuclear type 1. Also called: NADH-COENZYME Q REDUCTASE DEFICIENCY; MITOCHONDRIAL NADH DEHYDROGENASE COMPONENT OF COMPLEX I, DEFICIENCY OF. Identifiers: MedGen C6022305, MONDO:0100224, OMIM 252010.
NDUFS2-related disorder. Also called: NDUFS2-related condition.

Allele frequency attached by ClinVar (database versions not stated): TOPMed 0.00007; gnomAD 0.00009 and 0.00032; gnomAD exomes 0.00020; ExAC 0.00030; 1000 Genomes Project 30x 0.00187; 1000 Genomes Project 0.00240.
gnomAD v4.1: 1,057 of 1,613,818 alleles (0.065%); highest among the groups gnomAD compares: East Asian, 2.3%; 31 homozygotes.

Submissions (4):

Labcorp Genetics (formerly Invitae), Labcorp
Classification: Benign. Last evaluated: 2025-06-14. Review status: criteria provided, single submitter. Criteria: Invitae Variant Classification Sherloc (09022015). Collection method: clinical testing. Allele origin: germline.

Illumina Laboratory Services, Illumina
Classification: Uncertain significance for Mitochondrial complex I deficiency, nuclear type 1. Last evaluated: 2018-01-13. Review status: criteria provided, single submitter. Criteria: ICSL Variant Classification Criteria 13 December 2019. Collection method: clinical testing. Allele origin: germline.

GeneDx
Classification: Benign. Last evaluated: 2014-07-16. Review status: criteria provided, single submitter. Criteria: GeneDx Variant Classification (06012015). Collection method: clinical testing. Allele origin: germline. Affected: yes.
Comment: This variant is considered likely benign or benign based on one or more of the following criteria: it is a conservative change, it occurs at a poorly conserved position in the protein, it is predicted to be benign by multiple in silico algorithms, and/or has population frequency not consistent with disease.

PreventionGenetics, part of Exact Sciences
Classification: Likely benign for NDUFS2-related condition. Last evaluated: 2023-12-11. Review status: no assertion criteria provided. Collection method: clinical testing. Allele origin: germline. Not counted in ClinVar's aggregate classification.
Comment: This variant is classified as likely benign based on ACMG/AMP sequence variant interpretation guidelines (Richards et al. 2015 PMID: 25741868, with internal and published modifications).